The following is an entry in ClinVar:

NM_001378457.1(DMXL2):c.173T>G (p.Ile58Ser)

Gene: DMXL2 (Dmx like 2; minus strand). Cytogenetic location: 15q21.2.
Variant type: single nucleotide variant.
Coding change: c.173T>G on transcript NM_001378457.1 (MANE Select); coding-DNA position 173, T replaced by G.
Protein change: p.Ile58Ser; replaces isoleucine 58 with serine.
Molecular consequence: missense variant. On other transcripts: non-coding transcript variant (2).
Genome position (GRCh38, 1-based): chr15:51,576,096, A>C on the plus strand (T>G on the coding strand, the complement: DMXL2 is on the minus strand). VCF-style: chr15-51576096-A-C. GRCh37 (hg19) VCF-style: chr15-51868293-A-C.
Other names: c.173T>G, p.Ile58Ser (NM_001174116.3, NM_001174117.3, NM_001378458.1 and 7 more transcripts); short protein forms I58S.
Identifiers: ClinVar variation 1998623 (VCV001998623.4), dbSNP rs2548745696, ClinGen allele CA392759885.

ClinVar aggregate classification (germline): Uncertain significance (1 of 4 stars; one submission).

Submission:

Labcorp Genetics (formerly Invitae), Labcorp
Classification: Uncertain significance. Last evaluated: 2022-05-25. Review status: criteria provided, single submitter. Criteria: Invitae Variant Classification Sherloc (09022015). Collection method: clinical testing. Allele origin: germline.
Comment: This variant is not present in population databases (gnomAD no frequency). This variant has not been reported in the literature in individuals affected with DMXL2-related conditions. Algorithms developed to predict the effect of missense changes on protein structure and function are either unavailable or do not agree on the potential impact of this missense change (SIFT: "Tolerated"; PolyPhen-2: "Probably Damaging"; Align-GVGD: "Class C0"). In summary, the available evidence is currently insufficient to determine the role of this variant in disease. Therefore, it has been classified as a Variant of Uncertain Significance. This sequence change replaces isoleucine, which is neutral and non-polar, with serine, which is neutral and polar, at codon 58 of the DMXL2 protein (p.Ile58Ser).